The following is an entry in ClinVar:

ClinVar aggregate classification (germline): Pathogenic/Likely pathogenic. Review status: criteria provided, multiple submitters, no conflicts (2 of 4 stars). 3 submissions from 3 submitters: Pathogenic (1); Likely pathogenic (2). Last evaluated 2025-04-14.

Conditions:
Bartter syndrome. Identifiers: Orphanet 112, MedGen C0004775, MONDO:0015231.
Bartter disease type 4A. Also called: BARTTER SYNDROME, NEONATAL, WITH SENSORINEURAL DEAFNESS; BARTTER SYNDROME, TYPE 4A, NEONATAL, WITH SENSORINEURAL DEAFNESS. Identifiers: Orphanet 112, MedGen C1865270, MONDO:0011242, OMIM 602522.

Allele frequency attached by ClinVar (database versions not stated): gnomAD exomes 0.00001; TOPMed 0.00001.
gnomAD v4.1: 7 of 1,614,094 alleles (0.00043%); highest among the groups gnomAD compares: Non-Finnish European, 0.00059%; no homozygotes.

Submissions (3):

Natera, Inc.
Classification: Pathogenic for Bartter syndrome. Last evaluated: 2025-04-14. Review status: criteria provided, single submitter. Criteria: Natera Variant Classification Schema (03/2026). Collection method: clinical testing. Allele origin: germline.
Comment: The c.272+1G>T variant in BSND is a canonical splice donor site variant predicted to affect pre-mRNA splicing, which may result in an abnormal transcript and altered protein product. This variant is expected to result in nonsense mediated decay, truncation, or a dysfunctional protein product. This variant is rare in the general population with a frequency below the threshold expected for the associated phenotype(s). This variant has been observed in one or more individuals affected with the associated recessive disease, as either homozygous or compound heterozygous with a second variant (PMID: 35628451). Given the available evidence, this variant is classified as Pathogenic.

Labcorp Genetics (formerly Invitae), Labcorp
Classification: Likely pathogenic. Last evaluated: 2024-02-19. Review status: criteria provided, single submitter. Criteria: Invitae Variant Classification Sherloc (09022015). Collection method: clinical testing. Allele origin: germline.
Comment: This sequence change affects a donor splice site in intron 2 of the BSND gene. It is expected to disrupt RNA splicing. Variants that disrupt the donor or acceptor splice site typically lead to a loss of protein function (PMID: 16199547), and loss-of-function variants in BSND are known to be pathogenic (PMID: 11687798). This variant is not present in population databases (gnomAD no frequency). Disruption of this splice site has been observed in individual(s) with Bartter syndrome (PMID: 35628451). ClinVar contains an entry for this variant (Variation ID: 837720). Algorithms developed to predict the effect of sequence changes on RNA splicing suggest that this variant may disrupt the consensus splice site. In summary, the currently available evidence indicates that the variant is pathogenic, but additional data are needed to prove that conclusively. Therefore, this variant has been classified as Likely Pathogenic.

Fulgent Genetics
Classification: Likely pathogenic for Bartter disease type 4A. Last evaluated: 2022-04-15. Review status: criteria provided, single submitter. Criteria: ACMG Guidelines, 2015. Collection method: clinical testing. Allele origin: unknown.

Literature cited by the submitters: PubMed 35628451 (cited by Natera, Inc. and Labcorp Genetics (formerly Invitae), Labcorp); PubMed 16199547 (cited by Labcorp Genetics (formerly Invitae), Labcorp); PubMed 11687798 (cited by Labcorp Genetics (formerly Invitae), Labcorp).

NM_057176.3(BSND):c.272+1G>T

Gene: BSND (barttin CLCNK type accessory subunit beta; plus strand). Cytogenetic location: 1p32.3.
Variant type: single nucleotide variant.
Coding change: c.272+1G>T on transcript NM_057176.3 (MANE Select); the canonical splice donor site of the intron after coding-DNA position 272, G replaced by T.
Molecular consequence: splice donor variant.
Genome position (GRCh38, 1-based): chr1:55,005,117, G>T. VCF-style: chr1-55005117-G-T. GRCh37 (hg19) VCF-style: chr1-55470790-G-T.
Identifiers: ClinVar variation 837720 (VCV000837720.12), dbSNP rs1007109925, ClinGen allele CA22767317.